The following is an entry in ClinVar:

ClinVar aggregate classification (germline): Conflicting classifications of pathogenicity. Review status: criteria provided, conflicting classifications (1 of 4 stars). 2 submissions from 2 submitters: Uncertain significance (1); Likely benign (1). Last evaluated 2025-06-15.

Conditions:
Cardiovascular phenotype. Identifiers: MedGen CN230736.

Allele frequency attached by ClinVar (database versions not stated): gnomAD 0.00001 and 0.00002; gnomAD exomes 0.00002 and below 0.00001; TOPMed 0.00003; 1000 Genomes Project 30x 0.00016; 1000 Genomes Project 0.00020; ExAC 0.00001.
gnomAD v4.1: 7 of 1,610,614 alleles (0.00043%); highest among the groups gnomAD compares: Admixed American, 0.005%; no homozygotes.

Submissions (2):

Ambry Genetics
Classification: Likely benign for Cardiovascular phenotype. Last evaluated: 2025-06-15. Review status: criteria provided, single submitter. Criteria: Ambry Variant Classification Scheme 2023. Collection method: clinical testing. Allele origin: germline.

Laboratory for Molecular Medicine, Mass General Brigham Personalized Medicine
Classification: Uncertain significance. Last evaluated: 2014-02-19. Review status: criteria provided, single submitter. Criteria: LMM Criteria. Collection method: clinical testing. Allele origin: germline. Observed: 1 variant allele.
Comment: proposed classification - variant undergoing re-assessment, contact laboratory

NM_001267550.2(TTN):c.50355A>G (p.Arg16785=)

Genes: TTN (titin; minus strand), TTN-AS1 (TTN antisense RNA 1; plus strand). Cytogenetic location: 2q31.2.
Variant type: single nucleotide variant.
Coding change: c.50355A>G on transcript NM_001267550.2 (MANE Select); coding-DNA position 50355, A replaced by G.
Protein change: p.Arg16785=; no amino-acid change (arginine 16785 retained).
Molecular consequence: synonymous variant.
Genome position (GRCh38, 1-based): chr2:178,611,954, T>C on the plus strand (A>G on the coding strand, the complement: TTN is on the minus strand). VCF-style: chr2-178611954-T-C. GRCh37 (hg19) VCF-style: chr2-179476681-T-C.
Other names: c.42651A>G, p.Arg14217= (NM_133378.4); c.45432A>G, p.Arg15144= (NM_001256850.1); c.23160A>G, p.Arg7720= (NM_003319.4); c.23535A>G, p.Arg7845= (NM_133432.3); c.23736A>G, p.Arg7912= (NM_133437.4).
Identifiers: ClinVar variation 47041 (VCV000047041.6), dbSNP rs192143556, ClinGen allele CA139832.